The following is an entry in ClinVar:

NM_001322934.2(NFKB2):c.2560G>C (p.Asp854His)

Gene: NFKB2 (nuclear factor kappa B subunit 2; plus strand). Cytogenetic location: 10q24.32.
Variant type: single nucleotide variant.
Coding change: c.2560G>C on transcript NM_001322934.2 (MANE Select); coding-DNA position 2560, G replaced by C.
Protein change: p.Asp854His; replaces aspartic acid 854 with histidine.
Molecular consequence: missense variant.
Genome position (GRCh38, 1-based): chr10:102,402,141, G>C. VCF-style: chr10-102402141-G-C. GRCh37 (hg19) VCF-style: chr10-104161898-G-C.
Other names: c.2560G>C, p.Asp854His (NM_001077494.3, NM_001261403.3, NM_001288724.1 and 1 more transcripts); c.2434G>C, p.Asp812His (NM_001322935.1); short protein forms D854H, D812H.
Identifiers: ClinVar variation 4694378 (VCV004694378.1).

ClinVar aggregate classification (germline): Uncertain significance (1 of 4 stars; one submission).

Conditions:
Immunodeficiency, common variable, 10. Also called: DEFICIT IN ANTERIOR PITUITARY FUNCTION AND VARIABLE IMMUNODEFICIENCY; IMMUNODEFICIENCY, COMMON VARIABLE, WITH CENTRAL ADRENAL INSUFFICIENCY. Identifiers: MedGen C3809991, MONDO:0014260, OMIM 615577.

gnomAD v4.1: 7 of 1,576,838 alleles (0.00044%); highest among the groups gnomAD compares: Admixed American, 0.013%; no homozygotes.

Submission:

Labcorp Genetics (formerly Invitae), Labcorp
Classification: Uncertain significance for Immunodeficiency, common variable, 10. Last evaluated: 2025-11-18. Review status: criteria provided, single submitter. Criteria: Invitae Variant Classification Sherloc (09022015). Collection method: clinical testing. Allele origin: germline.
Comment: This sequence change replaces aspartic acid, which is acidic and polar, with histidine, which is basic and polar, at codon 854 of the NFKB2 protein (p.Asp854His). This variant is present in population databases (no rsID available, gnomAD 0.01%). This variant has not been reported in the literature in individuals affected with NFKB2-related conditions. An algorithm developed to predict the effect of missense changes on protein structure and function (PolyPhen-2) suggests that this variant is likely to be disruptive. In summary, the available evidence is currently insufficient to determine the role of this variant in disease. Therefore, it has been classified as a Variant of Uncertain Significance.